The following is an entry in ClinVar:

NM_001232.4(CASQ2):c.25G>T (p.Val9Leu)

Gene: CASQ2 (calsequestrin 2; minus strand). Cytogenetic location: 1p13.1.
Variant type: single nucleotide variant.
Coding change: c.25G>T on transcript NM_001232.4 (MANE Select); coding-DNA position 25, G replaced by T.
Protein change: p.Val9Leu; replaces valine 9 with leucine.
Molecular consequence: missense variant.
Genome position (GRCh38, 1-based): chr1:115,768,517, C>A on the plus strand (G>T on the coding strand, the complement: CASQ2 is on the minus strand). VCF-style: chr1-115768517-C-A. GRCh37 (hg19) VCF-style: chr1-116311138-C-A.
Other names: short protein forms V9L.
Identifiers: ClinVar variation 3253045 (VCV003253045.1), dbSNP rs2526106708.

ClinVar aggregate classification (germline): Uncertain significance (1 of 4 stars; one submission).

Submission:

GeneDx
Classification: Uncertain significance. Last evaluated: 2023-06-20. Review status: criteria provided, single submitter. Criteria: GeneDx Variant Classification Process June 2021. Collection method: clinical testing. Allele origin: germline. Affected: yes.
Comment: Not observed at significant frequency in large population cohorts (gnomAD); In silico analysis supports that this missense variant does not alter protein structure/function; Has not been previously published as pathogenic or benign to our knowledge